The following is an entry in ClinVar:

ClinVar aggregate classification (germline): Likely benign (1 of 4 stars; one submission).

Allele frequency attached by ClinVar (database versions not stated): 1000 Genomes Project 0.00419; 1000 Genomes Project 30x 0.00484; gnomAD 0.00650; ExAC 0.00733; ESP Exome Variant Server 0.00800; gnomAD exomes 0.00880.
gnomAD v4.1: 13,378 of 1,553,348 alleles (0.86%); highest among the groups gnomAD compares: Non-Finnish European, 0.97%; 84 homozygotes.

Submissions (10):

CeGaT Center for Human Genetics Tuebingen
Classification: Likely benign. Last evaluated: 2026-09-01. Review status: criteria provided, single submitter. Criteria: CeGaT Center For Human Genetics Tuebingen Variant Classification Criteria Version 2. Collection method: clinical testing. Allele origin: germline. Affected: yes. Observed: 36 variant alleles.
Comment: SYT1: BS2

Dr. Peter K. Rogan Lab, Western University
No classification provided (evidence only). Condition: Lung cancer. Review status: no classification provided. Collection method: in vitro. Allele origin: not applicable. Functional consequence: retained intron. Not counted in ClinVar's aggregate classification.

Dr. Peter K. Rogan Lab, Western University
No classification provided (evidence only). Condition: Familial cancer of breast. Review status: no classification provided. Collection method: in vitro. Allele origin: not applicable. Functional consequence: retained intron. Not counted in ClinVar's aggregate classification.

Dr. Peter K. Rogan Lab, Western University
No classification provided (evidence only). Condition: Familial cancer of breast. Review status: no classification provided. Collection method: in vitro. Allele origin: not applicable. Functional consequence: retained intron. Not counted in ClinVar's aggregate classification.

Dr. Peter K. Rogan Lab, Western University
No classification provided (evidence only). Condition: Acute myeloid leukemia. Review status: no classification provided. Collection method: in vitro. Allele origin: not applicable. Functional consequence: retained intron. Not counted in ClinVar's aggregate classification.

Dr. Peter K. Rogan Lab, Western University
No classification provided (evidence only). Condition: Uterine corpus endometrial carcinoma. Review status: no classification provided. Collection method: in vitro. Allele origin: not applicable. Functional consequence: retained intron. Not counted in ClinVar's aggregate classification.

Dr. Peter K. Rogan Lab, Western University
No classification provided (evidence only). Condition: Ovarian serous cystadenocarcinoma. Review status: no classification provided. Collection method: in vitro. Allele origin: not applicable. Functional consequence: retained intron. Not counted in ClinVar's aggregate classification.

Dr. Peter K. Rogan Lab, Western University
No classification provided (evidence only). Condition: Ovarian serous cystadenocarcinoma. Review status: no classification provided. Collection method: in vitro. Allele origin: not applicable. Functional consequence: retained intron. Not counted in ClinVar's aggregate classification.

Dr. Peter K. Rogan Lab, Western University
No classification provided (evidence only). Condition: Malignant tumor of esophagus. Review status: no classification provided. Collection method: in vitro. Allele origin: not applicable. Functional consequence: retained intron. Not counted in ClinVar's aggregate classification.

Dr. Peter K. Rogan Lab, Western University
No classification provided (evidence only). Condition: Malignant tumor of esophagus. Review status: no classification provided. Collection method: in vitro. Allele origin: not applicable. Functional consequence: retained intron. Not counted in ClinVar's aggregate classification.

NM_005639.3(SYT1):c.-17-9C>G

Gene: SYT1 (synaptotagmin 1; plus strand). Cytogenetic location: 12q21.2.
Variant type: single nucleotide variant.
Coding change: c.-17-9C>G on transcript NM_005639.3 (MANE Select); 9 bases into the intron before 17 bases upstream of the start codon, C replaced by G.
Molecular consequence: intron variant.
Genome position (GRCh38, 1-based): chr12:79,217,494, C>G. VCF-style: chr12-79217494-C-G. GRCh37 (hg19) VCF-style: chr12-79611274-C-G.
Other names: NC_000012.11:g.79611274C>G; c.-17-9C>G (NM_001135805.2, NM_001415940.1, NM_001415943.1 and 6 more transcripts).
Identifiers: ClinVar variation 2578688 (VCV002578688.26), dbSNP rs151296432, ClinGen allele CA6698689.